The following is an entry in ClinVar:

ClinVar aggregate classification (germline): Uncertain significance. Review status: criteria provided, multiple submitters, no conflicts (2 of 4 stars). 2 submissions from 2 submitters: Uncertain significance (2). Last evaluated 2024-11-29.

Conditions:
Inborn genetic diseases. Identifiers: MedGen C0950123, MeSH D030342.
Brachyolmia-amelogenesis imperfecta syndrome. Also called: Tooth agenesis, selective, 6; Dental anomalies and short stature; PLATYSPONDYLY WITH AMELOGENESIS IMPERFECTA. Identifiers: Orphanet 2899, MedGen C1832594, MONDO:0011018, OMIM 601216. Disease mechanism: loss of function.

Allele frequency attached by ClinVar (database versions not stated): gnomAD 0.00001.

Submissions (2):

Labcorp Genetics (formerly Invitae), Labcorp
Classification: Uncertain significance for Brachyolmia-amelogenesis imperfecta syndrome. Last evaluated: 2024-11-29. Review status: criteria provided, single submitter. Criteria: Invitae Variant Classification Sherloc (09022015). Collection method: clinical testing. Allele origin: germline.
Comment: This sequence change replaces glycine, which is neutral and non-polar, with valine, which is neutral and non-polar, at codon 150 of the LTBP3 protein (p.Gly150Val). This variant is not present in population databases (gnomAD no frequency). This variant has not been reported in the literature in individuals affected with LTBP3-related conditions. ClinVar contains an entry for this variant (Variation ID: 938866). An algorithm developed to predict the effect of missense changes on protein structure and function (PolyPhen-2) suggests that this variant is likely to be tolerated. In summary, the available evidence is currently insufficient to determine the role of this variant in disease. Therefore, it has been classified as a Variant of Uncertain Significance.

Ambry Genetics
Classification: Uncertain significance for Inborn genetic diseases. Last evaluated: 2024-10-07. Review status: criteria provided, single submitter. Criteria: Ambry Variant Classification Scheme 2023. Collection method: clinical testing. Allele origin: germline.
Comment: The p.G150V variant (also known as c.449G>T), located in coding exon 2 of the LTBP3 gene, results from a G to T substitution at nucleotide position 449. The glycine at codon 150 is replaced by valine, an amino acid with dissimilar properties. This amino acid position is conserved. In addition, this alteration is predicted to be tolerated by in silico analysis. Based on the available evidence, the clinical significance of this variant remains unclear.

NM_001130144.3(LTBP3):c.449G>T (p.Gly150Val)

Gene: LTBP3 (latent transforming growth factor beta binding protein 3; minus strand). Cytogenetic location: 11q13.1.
Variant type: single nucleotide variant.
Coding change: c.449G>T on transcript NM_001130144.3 (MANE Select); coding-DNA position 449, G replaced by T.
Protein change: p.Gly150Val; replaces glycine 150 with valine.
Molecular consequence: missense variant.
Genome position (GRCh38, 1-based): chr11:65,554,263, C>A on the plus strand (G>T on the coding strand, the complement: LTBP3 is on the minus strand). VCF-style: chr11-65554263-C-A. GRCh37 (hg19) VCF-style: chr11-65321734-C-A.
Other names: c.98G>T, p.Gly33Val (NM_001164266.1); c.449G>T, p.Gly150Val (NM_021070.4); short protein forms G150V, G33V.
Identifiers: ClinVar variation 938866 (VCV000938866.11), dbSNP rs1856727052, ClinGen allele CA381276593.
Genomic context (GRCh38, chr11:65,554,263, plus strand): 5'-GGCAGCGCCCCTGTGGACAGGGCCCCTGTCCTGCTCAGGCCGGGGCCTGAGCCGCCGGTA[C>A]CCCCACCGGCTCCTCCTGCGGGCACCTGGCAGAAGCGCCCAGTGAAGTCCGGGGGACACA-3'
Protein context (NP_001123616.1, residues 140-160): CQVPAGGAGG[Gly150Val]TGGSGPGLSR